The following is an entry in ClinVar:

NM_001364564.1(SALL2):c.2907C>T (p.Pro969=)

Gene: SALL2 (spalt like transcription factor 2; minus strand). Cytogenetic location: 14q11.2.
Variant type: single nucleotide variant.
Coding change: c.2907C>T on transcript NM_001364564.1 (MANE Select); coding-DNA position 2907, C replaced by T.
Protein change: p.Pro969=; no amino-acid change (proline 969 retained).
Molecular consequence: synonymous variant. On other transcripts: intron variant (2).
Genome position (GRCh38, 1-based): chr14:21,522,815, G>A on the plus strand (C>T on the coding strand, the complement: SALL2 is on the minus strand). VCF-style: chr14-21522815-G-A. GRCh37 (hg19) VCF-style: chr14-21990949-G-A.
Other names: c.2913C>T, p.Pro971= (NM_005407.3); c.2490+18C>T (NM_001291446.2); c.2484+18C>T (NM_001291447.2).
Identifiers: ClinVar variation 3058672 (VCV003058672.2), dbSNP rs920854509, ClinGen allele CA485004555.

ClinVar aggregate classification (germline): Likely benign (0 of 4 stars; one submission).

Conditions:
SALL2-related disorder. Also called: SALL2-related condition.

Submission:

PreventionGenetics, part of Exact Sciences
Classification: Likely benign for SALL2-related condition. Last evaluated: 2019-03-25. Review status: no assertion criteria provided. Collection method: clinical testing. Allele origin: germline.
Comment: This variant is classified as likely benign based on ACMG/AMP sequence variant interpretation guidelines (Richards et al. 2015 PMID: 25741868, with internal and published modifications).